The following is an entry in ClinVar:

NM_005236.3(ERCC4):c.23G>A (p.Arg8Gln)

Genes: ERCC4 (ERCC excision repair 4, endonuclease catalytic subunit; plus strand), LOC130058543 (ATAC-STARR-seq lymphoblastoid active region 10486; plus strand). Cytogenetic location: 16p13.12.
Variant type: single nucleotide variant.
Coding change: c.23G>A on transcript NM_005236.3 (MANE Select); coding-DNA position 23, G replaced by A.
Protein change: p.Arg8Gln; replaces arginine 8 with glutamine.
Molecular consequence: missense variant.
Genome position (GRCh38, 1-based): chr16:13,920,188, G>A. VCF-style: chr16-13920188-G-A. GRCh37 (hg19) VCF-style: chr16-14014045-G-A.
Other names: short protein forms R8Q.
Identifiers: ClinVar variation 4788359 (VCV004788359.1).

ClinVar aggregate classification (germline): Uncertain significance (1 of 4 stars; one submission).

Conditions:
Xeroderma pigmentosum, group F (XPF). Also called: XERODERMA PIGMENTOSUM, COMPLEMENTATION GROUP F; XERODERMA PIGMENTOSUM VI; XP, GROUP F; ERCC4-Related Xeroderma Pigmentosum; XERODERMA PIGMENTOSUM, TYPE F; Xeroderma pigmentosum, type 6. Identifiers: MedGen C0268140, MONDO:0010215, OMIM 278760.
Fanconi anemia complementation group Q. Identifiers: Orphanet 84, MedGen C3808988, MONDO:0014108, OMIM 615272.
Cockayne syndrome. Identifiers: Orphanet 191, MedGen C0009207, MONDO:0016006.

gnomAD v4.1: 7 of 1,606,240 alleles (0.00044%); highest among the groups gnomAD compares: African/African-American, 0.0027%; no homozygotes.

Submission:

Labcorp Genetics (formerly Invitae), Labcorp
Classification: Uncertain significance for Fanconi anemia complementation group Q; Xeroderma pigmentosum, group F; Cockayne syndrome. Last evaluated: 2025-08-29. Review status: criteria provided, single submitter. Criteria: Invitae Variant Classification Sherloc (09022015). Collection method: clinical testing. Allele origin: germline.
Comment: This sequence change replaces arginine, which is basic and polar, with glutamine, which is neutral and polar, at codon 8 of the ERCC4 protein (p.Arg8Gln). This variant is present in population databases (rs759843019, gnomAD 0.007%). This variant has not been reported in the literature in individuals affected with ERCC4-related conditions. An algorithm developed to predict the effect of missense changes on protein structure and function outputs the following: PolyPhen-2: "Benign". The glutamine amino acid residue is found in multiple mammalian species, which suggests that this missense change does not adversely affect protein function. In summary, the available evidence is currently insufficient to determine the role of this variant in disease. Therefore, it has been classified as a Variant of Uncertain Significance.